The following is an entry in ClinVar:

NM_000059.4(BRCA2):c.7007+3405dup

Gene: BRCA2 (BRCA2 DNA repair associated; plus strand). Cytogenetic location: 13q13.1.
Variant type: Duplication.
Coding change: c.7007+3405dup on transcript NM_000059.4 (MANE Select); 3405 bases into the intron after coding-DNA position 7007, one base duplicated (T; older notation c.7007+3405dupT).
Molecular consequence: intron variant.
Genome position (GRCh38, 1-based): chr13:32,350,301, T duplicated; the last of 7 consecutive T bases (chr13:32,350,295-32,350,301); duplicating any one gives the same sequence. VCF-style (leftmost placement, unchanged base first): chr13-32350294-G-GT. GRCh37 (hg19) VCF-style: chr13-32924431-G-GT.
Identifiers: ClinVar variation 264957 (VCV000264957.1), dbSNP rs557401423, ClinGen allele CA10588115.
Genomic context (GRCh38, chr13:32,350,294, plus strand): 5'-CCAAAAAACACATTAATGAAAACAACTTAGAAGAAACATTATTCAAGGAGAAGAAAAAAT[G>GT]TTTTTTTAAAAACTATAATTTGTGAACAGAATGAAAAGAGGTTTATATATATAGCTAAGA-3'

ClinVar aggregate classification (germline): Benign (3 of 4 stars; one submission).

Conditions:
Breast-ovarian cancer, familial, susceptibility to, 2 (BROVCA2). Also called: BRCA2 Hereditary Breast and Ovarian Cancer. Identifiers: Orphanet 145, MedGen C2675520, MONDO:0012933, OMIM 612555. Disease mechanism: loss of function.

Submission:

Evidence-based Network for the Interpretation of Germline Mutant Alleles (ENIGMA)
Classification: Benign for Breast-ovarian cancer, familial, susceptibility to, 2. Last evaluated: 2016-09-28. Review status: reviewed by expert panel. Criteria: ENIGMA BRCA1/2 Classification Criteria (2015). Collection method: curation. Allele origin: germline.
Comment: Class 1 not pathogenic based on frequency >1% in an outbred sampleset. Frequency 0.031 (African), derived from 1000 genomes (2013-05-02).